The following is an entry in ClinVar:

NM_003073.5(SMARCB1):c.614C>T (p.Thr205Ile)

Gene: SMARCB1 (SWI/SNF related BAF chromatin remodeling complex subunit B1; plus strand). Cytogenetic location: 22q11.23.
Variant type: single nucleotide variant.
Coding change: c.614C>T on transcript NM_003073.5 (MANE Select); coding-DNA position 614, C replaced by T.
Protein change: p.Thr205Ile; replaces threonine 205 with isoleucine.
Molecular consequence: missense variant.
Genome position (GRCh38, 1-based): chr22:23,803,408, C>T. VCF-style: chr22-23803408-C-T. GRCh37 (hg19) VCF-style: chr22-24145595-C-T.
Other names: c.587C>T, p.Thr196Ile (NM_001007468.3); c.641C>T, p.Thr214Ile (NM_001317946.2); c.668C>T, p.Thr223Ile (NM_001362877.2); short protein forms T205I, T196I, T214I, T223I.
Identifiers: ClinVar variation 1395589 (VCV001395589.8), dbSNP rs2145983068, ClinGen allele CA410935996.

ClinVar aggregate classification (germline): Uncertain significance (1 of 4 stars; one submission).

Allele frequency attached by ClinVar (database versions not stated): gnomAD exomes below 0.00001.

Submission:

Labcorp Genetics (formerly Invitae), Labcorp
Classification: Uncertain significance. Last evaluated: 2020-11-13. Review status: criteria provided, single submitter. Criteria: Invitae Variant Classification Sherloc (09022015). Collection method: clinical testing. Allele origin: germline.
Comment: In summary, the available evidence is currently insufficient to determine the role of this variant in disease. Therefore, it has been classified as a Variant of Uncertain Significance. Algorithms developed to predict the effect of missense changes on protein structure and function (SIFT, PolyPhen-2, Align-GVGD) all suggest that this variant is likely to be tolerated, but these predictions have not been confirmed by published functional studies and their clinical significance is uncertain. This variant has not been reported in the literature in individuals with SMARCB1-related conditions. This variant is not present in population databases (ExAC no frequency). This sequence change replaces threonine with isoleucine at codon 205 of the SMARCB1 protein (p.Thr205Ile). The threonine residue is highly conserved and there is a moderate physicochemical difference between threonine and isoleucine.